The following is an entry in ClinVar:

ClinVar aggregate classification (germline): Uncertain significance (1 of 4 stars; one submission).

Conditions:
MRAP2-related disorder. Also called: MRAP2-related condition.

Submission:

PreventionGenetics, part of Exact Sciences
Classification: Uncertain significance for MRAP2-related condition. Last evaluated: 2025-01-13. Review status: criteria provided, single submitter. Criteria: ACMG Guidelines, 2015. Collection method: clinical testing. Allele origin: germline.
Comment: The MRAP2 c.605A>G variant is predicted to result in the amino acid substitution p.Lys202Arg. To our knowledge, this variant has not been reported in the literature or in a large population database (gnomAD), indicating this variant is rare. At this time, the clinical significance of this variant is uncertain due to the absence of conclusive functional and genetic evidence.

NM_138409.4(MRAP2):c.605A>G (p.Lys202Arg)

Gene: MRAP2 (melanocortin 2 receptor accessory protein 2; plus strand). Cytogenetic location: 6q14.2.
Variant type: single nucleotide variant.
Coding change: c.605A>G on transcript NM_138409.4 (MANE Select); coding-DNA position 605, A replaced by G.
Protein change: p.Lys202Arg; replaces lysine 202 with arginine.
Molecular consequence: missense variant.
Genome position (GRCh38, 1-based): chr6:84,089,468, A>G. VCF-style: chr6-84089468-A-G. GRCh37 (hg19) VCF-style: chr6-84799187-A-G.
Other names: c.347A>G, p.Lys116Arg (NM_001346541.2); c.605A>G, p.Lys202Arg (NM_001346542.2, NM_001346544.2); c.440A>G, p.Lys147Arg (NM_001346543.2); short protein forms K147R, K202R, K116R.
Identifiers: ClinVar variation 5000777 (VCV005000777.1).